The following is an entry in ClinVar:

ClinVar aggregate classification (germline): Uncertain significance. Review status: criteria provided, multiple submitters, no conflicts (2 of 4 stars). 2 submissions from 2 submitters: Uncertain significance (2). Last evaluated 2025-10-14.

Conditions:
Creatine transporter deficiency (CCDS1). Also called: Creatine Transporter (CRTR) Deficiency; Mental retardation , X-linked with seizures, short stature and midface hypoplasia; Mental retardation , X-linked, with creatine transport deficiency; X-linked creatine transporter deficiency; X-linked creatine deficiency syndrome; SLC6A8-Related Creatine Transporter Deficiency. Identifiers: Orphanet 52503, MedGen C1845862, MONDO:0010305, OMIM 300352.

Allele frequency attached by ClinVar (database versions not stated): gnomAD exomes below 0.00001.
gnomAD v4.1: 2 of 1,211,699 alleles (0.00017%); highest among the groups gnomAD compares: Non-Finnish European, 0.00022%; no homozygotes.

Submissions (2):

GeneDx
Classification: Uncertain significance. Last evaluated: 2025-10-14. Review status: criteria provided, single submitter. Criteria: GeneDx Variant Classification Process June 2021. Collection method: clinical testing. Allele origin: germline. Affected: yes.
Comment: Not observed at significant frequency in large population cohorts (gnomAD); In silico analysis suggests that this missense variant does not alter protein structure/function; Has not been previously published as pathogenic or benign to our knowledge

Labcorp Genetics (formerly Invitae), Labcorp
Classification: Uncertain significance for Creatine transporter deficiency. Last evaluated: 2022-05-05. Review status: criteria provided, single submitter. Criteria: Invitae Variant Classification Sherloc (09022015). Collection method: clinical testing. Allele origin: germline.
Comment: This sequence change replaces leucine, which is neutral and non-polar, with arginine, which is basic and polar, at codon 198 of the SLC6A8 protein (p.Leu198Arg). This variant is not present in population databases (gnomAD no frequency). This variant has not been reported in the literature in individuals affected with SLC6A8-related conditions. Advanced modeling of protein sequence and biophysical properties (such as structural, functional, and spatial information, amino acid conservation, physicochemical variation, residue mobility, and thermodynamic stability) performed at Invitae indicates that this missense variant is not expected to disrupt SLC6A8 protein function. In summary, the available evidence is currently insufficient to determine the role of this variant in disease. Therefore, it has been classified as a Variant of Uncertain Significance.

NM_005629.4(SLC6A8):c.593T>G (p.Leu198Arg)

Gene: SLC6A8 (solute carrier family 6 member 8; plus strand). Cytogenetic location: Xq28.
Variant type: single nucleotide variant.
Coding change: c.593T>G on transcript NM_005629.4 (MANE Select); coding-DNA position 593, T replaced by G.
Protein change: p.Leu198Arg; replaces leucine 198 with arginine.
Molecular consequence: missense variant.
Genome position (GRCh38, 1-based): chrX:153,691,502, T>G. VCF-style: chrX-153691502-T-G. GRCh37 (hg19) VCF-style: chrX-152956957-T-G.
Other names: c.593T>G, p.Leu198Arg (NM_001142805.2); c.248T>G, p.Leu83Arg (NM_001142806.1); short protein forms L198R, L83R.
Identifiers: ClinVar variation 1708698 (VCV001708698.6), dbSNP rs2522156415, ClinGen allele CA415079266.
Genomic context (GRCh38, chrX:153,691,502, plus strand): 5'-CTCCCGACTGCGTGGAGATCTTCCGCCATGAAGACTGTGCCAATGCCAGCCTGGCCAACC[T>G]CACCTGTGACCAGCTTGCTGACCGCCGGTCCCCTGTCATCGAGTTCTGGGAGTGAGTCCG-3'
Protein context (NP_005620.1, residues 188-208): EDCANASLAN[Leu198Arg]TCDQLADRRS